The following is an entry in ClinVar:

NM_004612.4(TGFBR1):c.262C>T (p.Pro88Ser)

Gene: TGFBR1 (transforming growth factor beta receptor 1; plus strand). Cytogenetic location: 9q22.33.
Variant type: single nucleotide variant.
Coding change: c.262C>T on transcript NM_004612.4 (MANE Select); coding-DNA position 262, C replaced by T.
Protein change: p.Pro88Ser; replaces proline 88 with serine.
Molecular consequence: missense variant. On other transcripts: non-coding transcript variant (4), intron variant (3).
Genome position (GRCh38, 1-based): chr9:99,129,019, C>T. VCF-style: chr9-99129019-C-T. GRCh37 (hg19) VCF-style: chr9-101891301-C-T.
Other names: c.262C>T, p.Pro88Ser (NM_001130916.3, NM_001306210.2, NM_001407416.1 and 2 more transcripts); c.55C>T, p.Pro19Ser (NM_001407418.1, NM_001407419.1, NM_001407420.1 and 12 more transcripts); c.98-3490C>T (NM_001407436.1); c.98-8840C>T (NM_001407438.1); c.98-13517C>T (NM_001407437.1); short protein forms P19S, P88S.
Identifiers: ClinVar variation 3224337 (VCV003224337.1), dbSNP rs2118570879, ClinGen allele CA374226027.

ClinVar aggregate classification (germline): Uncertain significance (1 of 4 stars; one submission).

Conditions:
Familial thoracic aortic aneurysm and aortic dissection (TAAD). Also called: Thoracic aortic aneurysms and dissections. Identifiers: Orphanet 91387, MedGen C4707243, MONDO:0019625.

Submission:

Ambry Genetics
Classification: Uncertain significance for Familial thoracic aortic aneurysm and aortic dissection. Last evaluated: 2023-11-08. Review status: criteria provided, single submitter. Criteria: Ambry Variant Classification Scheme 2023. Collection method: clinical testing. Allele origin: germline.
Comment: The p.P88S variant (also known as c.262C>T), located in coding exon 2 of the TGFBR1 gene, results from a C to T substitution at nucleotide position 262. The proline at codon 88 is replaced by serine, an amino acid with similar properties. This amino acid position is conserved. In addition, this alteration is predicted to be tolerated by in silico analysis. Since supporting evidence is limited at this time, the clinical significance of this alteration remains unclear.